The following is an entry in ClinVar:

ClinVar aggregate classification (germline): Uncertain significance. Review status: criteria provided, multiple submitters, no conflicts (2 of 4 stars). 2 submissions from 2 submitters: Uncertain significance (2). Last evaluated 2023-01-28.

Conditions:
Familial hypocalciuric hypercalcemia (FHH). Also called: Familial benign hypercalcemia. Identifiers: Orphanet 405, MedGen C1809471, MONDO:0018458.
Autosomal dominant hypocalcemia 1 (HYPOC1). Also called: HYPOCALCEMIA, FAMILIAL. Identifiers: MedGen C3715128, MONDO:0011013, OMIM 601198.
Nephrolithiasis/nephrocalcinosis. Identifiers: MedGen CN580796.

Allele frequency attached by ClinVar (database versions not stated): gnomAD exomes below 0.00001.

Submissions (2):

Ambry Genetics
Classification: Uncertain significance for Nephrolithiasis/nephrocalcinosis. Last evaluated: 2023-01-28. Review status: criteria provided, single submitter. Criteria: Ambry Variant Classification Scheme 2023. Collection method: clinical testing. Allele origin: germline.
Comment: The p.V455A variant (also known as c.1364T>C), located in coding exon 3 of the CASR gene, results from a T to C substitution at nucleotide position 1364. The valine at codon 455 is replaced by alanine, an amino acid with similar properties. This amino acid position is conserved. In addition, the in silico prediction for this alteration is inconclusive. Since supporting evidence is limited at this time, the clinical significance of this alteration remains unclear.

Labcorp Genetics (formerly Invitae), Labcorp
Classification: Uncertain significance for Familial hypocalciuric hypercalcemia; Autosomal dominant hypocalcemia 1. Last evaluated: 2021-05-27. Review status: criteria provided, single submitter. Criteria: Invitae Variant Classification Sherloc (09022015). Collection method: clinical testing. Allele origin: germline.
Comment: This sequence change replaces valine with alanine at codon 455 of the CASR protein (p.Val455Ala). The valine residue is highly conserved and there is a small physicochemical difference between valine and alanine. This variant is not present in population databases (ExAC no frequency). This variant has not been reported in the literature in individuals with CASR-related conditions. Algorithms developed to predict the effect of missense changes on protein structure and function are either unavailable or do not agree on the potential impact of this missense change (SIFT: "Deleterious"; PolyPhen-2: "Benign"; Align-GVGD: "Class C25"). In summary, the available evidence is currently insufficient to determine the role of this variant in disease. Therefore, it has been classified as a Variant of Uncertain Significance.

NM_000388.4(CASR):c.1364T>C (p.Val455Ala)

Gene: CASR (calcium sensing receptor; plus strand). Cytogenetic location: 3q21.1.
Variant type: single nucleotide variant.
Coding change: c.1364T>C on transcript NM_000388.4 (MANE Select); coding-DNA position 1364, T replaced by C.
Protein change: p.Val455Ala; replaces valine 455 with alanine.
Molecular consequence: missense variant.
Genome position (GRCh38, 1-based): chr3:122,262,399, T>C. VCF-style: chr3-122262399-T-C. GRCh37 (hg19) VCF-style: chr3-121981246-T-C.
Other names: c.1364T>C (NM_000388.3); c.1364T>C, p.Val455Ala (NM_001178065.2); short protein forms V455A.
Identifiers: ClinVar variation 1429926 (VCV001429926.9), dbSNP rs2107633318, ClinGen allele CA354153365.